The following is an entry in ClinVar:

NM_017838.4(NHP2):c.-10G>T

Gene: NHP2 (NHP2 ribonucleoprotein; minus strand). Cytogenetic location: 5q35.3.
Variant type: single nucleotide variant.
Coding change: c.-10G>T on transcript NM_017838.4 (MANE Select); 10 bases upstream of the start codon, G replaced by T.
Molecular consequence: 5 prime UTR variant.
Genome position (GRCh38, 1-based): chr5:178,153,827, C>A on the plus strand (G>T on the coding strand, the complement: NHP2 is on the minus strand). VCF-style: chr5-178153827-C-A. GRCh37 (hg19) VCF-style: chr5-177580828-C-A.
Other names: c.-10G>T (NM_001034833.2).
Identifiers: ClinVar variation 353029 (VCV000353029.8), dbSNP rs371173524, ClinGen allele CA3589305.

ClinVar aggregate classification (germline): Likely benign. Review status: criteria provided, multiple submitters, no conflicts (2 of 4 stars). 2 submissions from 2 submitters: Likely benign (2). Last evaluated 2025-04-30.

Allele frequency attached by ClinVar (database versions not stated): TOPMed 0.00044; gnomAD 0.00013; ExAC 0.00019; ESP Exome Variant Server 0.00023.
gnomAD v4.1: 334 of 1,602,630 alleles (0.021%); highest among the groups gnomAD compares: Middle Eastern, 0.15%; 1 homozygote.

Submissions (2):

Mayo Clinic Laboratories, Mayo Clinic
Classification: Likely benign. Last evaluated: 2025-04-30. Review status: criteria provided, single submitter. Criteria: ACMG Guidelines, 2015. Collection method: clinical testing. Allele origin: germline. Observed: 2 variant alleles.
Comment: BP4, BP7

Genetic Services Laboratory, University of Chicago
Classification: Likely benign. Last evaluated: 2021-12-17. Review status: criteria provided, single submitter. Criteria: ACMG Guidelines, 2015. Collection method: clinical testing. Allele origin: germline. Affected: no.